The following is an entry in ClinVar:

ClinVar aggregate classification (germline): Uncertain significance (1 of 4 stars; one submission).

Allele frequency attached by ClinVar (database versions not stated): gnomAD exomes below 0.00001.
gnomAD v4.1: 1 of 1,610,920 alleles (0.000062%); highest among the groups gnomAD compares: Non-Finnish European, 0.000085%; no homozygotes.

Submission:

Labcorp Genetics (formerly Invitae), Labcorp
Classification: Uncertain significance. Last evaluated: 2023-04-24. Review status: criteria provided, single submitter. Criteria: Invitae Variant Classification Sherloc (09022015). Collection method: clinical testing. Allele origin: germline.
Comment: This variant has not been reported in the literature in individuals affected with COX20-related conditions. This variant is not present in population databases (gnomAD no frequency). This sequence change replaces valine, which is neutral and non-polar, with leucine, which is neutral and non-polar, at codon 43 of the COX20 protein (p.Val43Leu). In summary, the available evidence is currently insufficient to determine the role of this variant in disease. Therefore, it has been classified as a Variant of Uncertain Significance. An algorithm developed to predict the effect of missense changes on protein structure and function (PolyPhen-2) suggests that this variant is likely to be disruptive. ClinVar contains an entry for this variant (Variation ID: 2125953).

NM_198076.6(COX20):c.127G>T (p.Val43Leu)

Gene: COX20 (cytochrome c oxidase assembly factor COX20; plus strand). Cytogenetic location: 1q44.
Variant type: single nucleotide variant.
Coding change: c.127G>T on transcript NM_198076.6 (MANE Select); coding-DNA position 127, G replaced by T.
Protein change: p.Val43Leu; replaces valine 43 with leucine.
Molecular consequence: missense variant. On other transcripts: non-coding transcript variant (1), intron variant (1).
Genome position (GRCh38, 1-based): chr1:244,842,028, G>T. VCF-style: chr1-244842028-G-T. GRCh37 (hg19) VCF-style: chr1-245005330-G-T.
Other names: c.127G>T, p.Val43Leu (NM_001312871.1, NM_001312874.1); c.163G>T, p.Val55Leu (NM_001312872.1); c.23-167G>T (NM_001312873.1); short protein forms V43L, V55L.
Identifiers: ClinVar variation 2125953 (VCV002125953.4), dbSNP rs1558178359, ClinGen allele CA345676349.